The following is an entry in ClinVar:

NM_000211.5(ITGB2):c.537C>T (p.Phe179=)

Gene: ITGB2 (integrin subunit beta 2; minus strand). Cytogenetic location: 21q22.3.
Variant type: single nucleotide variant.
Coding change: c.537C>T on transcript NM_000211.5 (MANE Select); coding-DNA position 537, C replaced by T.
Protein change: p.Phe179=; no amino-acid change (phenylalanine 179 retained).
Molecular consequence: synonymous variant.
Genome position (GRCh38, 1-based): chr21:44,901,696, G>A on the plus strand (C>T on the coding strand, the complement: ITGB2 is on the minus strand). VCF-style: chr21-44901696-G-A. GRCh37 (hg19) VCF-style: chr21-46321611-G-A.
Other names: c.537C>T, p.Phe179= (NM_001127491.3); c.330C>T, p.Phe110= (NM_001303238.2); c.537C>T (LRG_76t1).
Identifiers: ClinVar variation 340169 (VCV000340169.19), dbSNP rs371548080, ClinGen allele CA10063166.
Genomic context (GRCh38, chr21:44,901,696, plus strand): 5'-CTGGCACTCTTTCTCCTTGTTGGGGCATGGGTTTCGCAGCTTATCAGGGTGCGTGTTCAC[G>A]AACGGCAGCACGGTCTTGTCCACGAAGGACCCGAAGCCTGCAGGGCACATGGAGGGGCTG-3'
Protein context (NP_000202.3, residues 169-189): GSFVDKTVLP[Phe179=]VNTHPDKLRN

ClinVar aggregate classification (germline): Conflicting classifications of pathogenicity. Review status: criteria provided, conflicting classifications (1 of 4 stars). 4 submissions from 4 submitters: Uncertain significance (1); Likely benign (2). 1 of the submissions does not count toward it. Last evaluated 2026-01-24.

Conditions:
ITGB2-related disorder. Also called: ITGB2-related condition.
Leukocyte adhesion deficiency 1 (LAD1). Also called: LEUKOCYTE ADHESION DEFICIENCY, TYPE I; LAD 1; Lymphocyte function-associated antigen 1 immunodeficiency; LFA 1 immunodeficiency. Identifiers: Orphanet 2968, Orphanet 99842, MedGen C0398738, MONDO:0007293, OMIM 116920.

Allele frequency attached by ClinVar (database versions not stated): gnomAD exomes 0.00024 and 0.00008; ExAC 0.00026; 1000 Genomes Project 30x 0.00031; 1000 Genomes Project 0.00040; ESP Exome Variant Server 0.00008; gnomAD 0.00011 and 0.00016; TOPMed 0.00011.
gnomAD v4.1: 144 of 1,613,224 alleles (0.0089%); highest among the groups gnomAD compares: East Asian, 0.1%; no homozygotes.

Submissions (4):

Labcorp Genetics (formerly Invitae), Labcorp
Classification: Likely benign for Leukocyte adhesion deficiency 1. Last evaluated: 2026-01-24. Review status: criteria provided, single submitter. Criteria: Invitae Variant Classification Sherloc (09022015). Collection method: clinical testing. Allele origin: germline.

Blueprint Genetics
Classification: Likely benign. Last evaluated: 2024-11-07. Review status: criteria provided, single submitter. Criteria: ACMG Guidelines, 2015. Collection method: clinical testing. Allele origin: germline.

Illumina Laboratory Services, Illumina
Classification: Uncertain significance for Leukocyte adhesion deficiency 1. Last evaluated: 2018-01-12. Review status: criteria provided, single submitter. Criteria: ICSL Variant Classification Criteria 13 December 2019. Collection method: clinical testing. Allele origin: germline.

PreventionGenetics, part of Exact Sciences
Classification: Likely benign for ITGB2-related condition. Last evaluated: 2019-06-05. Review status: no assertion criteria provided. Collection method: clinical testing. Allele origin: germline. Not counted in ClinVar's aggregate classification.
Comment: This variant is classified as likely benign based on ACMG/AMP sequence variant interpretation guidelines (Richards et al. 2015 PMID: 25741868, with internal and published modifications).